The following is an entry in ClinVar:

NM_001375567.1(FOCAD):c.4308A>G (p.Ala1436=)

Gene: FOCAD (focadhesin; plus strand). Cytogenetic location: 9p21.3.
Variant type: single nucleotide variant.
Coding change: c.4308A>G on transcript NM_001375567.1 (MANE Select); coding-DNA position 4308, A replaced by G.
Protein change: p.Ala1436=; no amino-acid change (alanine 1436 retained).
Molecular consequence: synonymous variant.
Genome position (GRCh38, 1-based): chr9:20,978,385, A>G. VCF-style: chr9-20978385-A-G. GRCh37 (hg19) VCF-style: chr9-20978384-A-G.
Other names: c.4203A>G, p.Ala1401= (NM_001375568.1, NM_001375570.1); c.4308A>G, p.Ala1436= (NM_017794.5).
Identifiers: ClinVar variation 3672759 (VCV003672759.2).
Genomic context (GRCh38, chr9:20,978,385, plus strand): 5'-TTCTTGACTTTCAGGTGAAGAGATCCAGCAACTGTGCCTTGAAATTATGGTGACCCAGGC[A>G]CAGTCATCCCAGAATGCAGCTGCACTATTGGGCTTGTGGGTGACACCACCACTGATCCAC-3'
Protein context (NP_001362496.1, residues 1426-1446): QLCLEIMVTQ[Ala1436=]QSSQNAAALL

ClinVar aggregate classification (germline): Uncertain significance (1 of 4 stars; one submission).

gnomAD v4.1: 47 of 1,612,144 alleles (0.0029%); highest among the groups gnomAD compares: African/African-American, 0.06%; no homozygotes.

Submission:

Labcorp Genetics (formerly Invitae), Labcorp
Classification: Uncertain significance. Last evaluated: 2025-04-01. Review status: criteria provided, single submitter. Criteria: Invitae Variant Classification Sherloc (09022015). Collection method: clinical testing. Allele origin: germline.
Comment: This sequence change affects codon 1436 of the FOCAD mRNA. It is a 'silent' change, meaning that it does not change the encoded amino acid sequence of the FOCAD protein. This variant is present in population databases (rs150050127, gnomAD 0.03%). This variant has not been reported in the literature in individuals affected with FOCAD-related conditions. In summary, the available evidence is currently insufficient to determine the role of this variant in disease. Therefore, it has been classified as a Variant of Uncertain Significance.